The following is an entry in ClinVar:

NC_000023.10:g.(?_31854917)_(32057181_?)del

Gene: DMD (dystrophin; minus strand). Cytogenetic location: Xp21.1.
Variant type: Deletion.
Identifiers: ClinVar variation 2425004 (VCV002425004.5).

ClinVar aggregate classification (germline): Pathogenic (1 of 4 stars; one submission).

Conditions:
Duchenne muscular dystrophy (DMD). Also called: Duchenne Muscular Dystrophy (DMD); MUSCULAR DYSTROPHY, PSEUDOHYPERTROPHIC PROGRESSIVE, DUCHENNE TYPE. Identifiers: Orphanet 98896, MedGen C0013264, MONDO:0010679, OMIM 310200.

Submission:

Labcorp Genetics (formerly Invitae), Labcorp
Classification: Pathogenic for Duchenne muscular dystrophy. Last evaluated: 2022-02-13. Review status: criteria provided, single submitter. Criteria: Invitae Variant Classification Sherloc (09022015). Collection method: clinical testing. Allele origin: germline.
Comment: For these reasons, this variant has been classified as Pathogenic. This variant disrupts a region of the DMD protein in which other variant(s) (exons 45-48 deletion) have been determined to be pathogenic (PMID: 21851881, 24217213, 25244321, 26911353). This suggests that this is a clinically significant region of the protein, and that variants that disrupt it are likely to be disease-causing. This variant has not been reported in the literature in individuals affected with DMD-related conditions. This variant results in the deletion of exons 45-48 and part of exon 49 (c.6439-70550_7118del) of the DMD gene. It is expected to disrupt RNA splicing. Variants that disrupt the donor or acceptor splice site typically lead to a loss of protein function (PMID: 16199547), and loss-of-function variants in DMD are known to be pathogenic (PMID: 16770791, 25007885).

Literature cited by the submitters: PubMed 21851881; PubMed 24217213; PubMed 25244321; PubMed 26911353; PubMed 16199547; PubMed 16770791; PubMed 25007885.